The following is an entry in ClinVar:

NM_001042492.3(NF1):c.391G>A (p.Ala131Thr)

Gene: NF1 (neurofibromin 1; plus strand). Cytogenetic location: 17q11.2.
Variant type: single nucleotide variant.
Coding change: c.391G>A on transcript NM_001042492.3 (MANE Select); coding-DNA position 391, G replaced by A.
Protein change: p.Ala131Thr; replaces alanine 131 with threonine.
Molecular consequence: missense variant.
Genome position (GRCh38, 1-based): chr17:31,163,288, G>A. VCF-style: chr17-31163288-G-A. GRCh37 (hg19) VCF-style: chr17-29490306-G-A.
Other names: c.391G>A, p.Ala131Thr (NM_000267.4, NM_001128147.3); short protein forms A131T.
Identifiers: ClinVar variation 1736185 (VCV001736185.4), dbSNP rs2143672339, ClinGen allele CA398981851.

ClinVar aggregate classification (germline): Uncertain significance. Review status: criteria provided, multiple submitters, no conflicts (2 of 4 stars). 2 submissions from 2 submitters: Uncertain significance (2). Last evaluated 2025-03-23.

Conditions:
Cardiovascular phenotype. Identifiers: MedGen CN230736.
Hereditary cancer-predisposing syndrome. Also called: Neoplastic Syndromes, Hereditary; Tumor predisposition; Hereditary Cancer Syndrome; Hereditary neoplastic syndrome. Identifiers: Orphanet 140162, MedGen C0027672, MeSH D009386, MONDO:0015356.
Neurofibromatosis, type 1 (NF1). Also called: VON RECKLINGHAUSEN DISEASE; NEUROFIBROMATOSIS, TYPE I, SOMATIC; Neurofibromatosis, type I; Peripheral type neurofibromatosis. Identifiers: Orphanet 636, MedGen C0027831, MONDO:0018975, OMIM 162200. Disease mechanism: loss of function.

Submissions (2):

Labcorp Genetics (formerly Invitae), Labcorp
Classification: Uncertain significance for Neurofibromatosis, type 1. Last evaluated: 2025-03-23. Review status: criteria provided, single submitter. Criteria: Invitae Variant Classification Sherloc (09022015). Collection method: clinical testing. Allele origin: germline.
Comment: This sequence change replaces alanine, which is neutral and non-polar, with threonine, which is neutral and polar, at codon 131 of the NF1 protein (p.Ala131Thr). This variant is not present in population databases (gnomAD no frequency). This variant has not been reported in the literature in individuals affected with NF1-related conditions. ClinVar contains an entry for this variant (Variation ID: 1736185). Invitae Evidence Modeling of protein sequence and biophysical properties (such as structural, functional, and spatial information, amino acid conservation, physicochemical variation, residue mobility, and thermodynamic stability) indicates that this missense variant is expected to disrupt NF1 protein function with a positive predictive value of 95%. In summary, the available evidence is currently insufficient to determine the role of this variant in disease. Therefore, it has been classified as a Variant of Uncertain Significance.

Ambry Genetics
Classification: Uncertain significance for Cardiovascular phenotype; Hereditary cancer-predisposing syndrome. Last evaluated: 2021-01-06. Review status: criteria provided, single submitter. Criteria: Ambry Variant Classification Scheme 2023. Collection method: clinical testing. Allele origin: germline.
Comment: The p.A131T variant (also known as c.391G>A), located in coding exon 4 of the NF1 gene, results from a G to A substitution at nucleotide position 391. The alanine at codon 131 is replaced by threonine, an amino acid with similar properties. This amino acid position is highly conserved in available vertebrate species. In addition, the in silico prediction for this alteration is inconclusive. Since supporting evidence is limited at this time, the clinical significance of this alteration remains unclear.